The following is an entry in ClinVar:

NM_138272.3(MPIG6B):c.542-13C>A

Gene: MPIG6B (megakaryocyte and platelet inhibitory receptor G6b; plus strand). Cytogenetic location: 6p21.33.
Variant type: single nucleotide variant.
Coding change: c.542-13C>A on transcript NM_138272.3 (MANE Select); 13 bases into the intron before coding-DNA position 542, C replaced by A.
Molecular consequence: intron variant. On other transcripts: missense variant (4).
Genome position (GRCh38, 1-based): chr6:31,724,752, C>A. VCF-style: chr6-31724752-C-A. GRCh37 (hg19) VCF-style: chr6-31692529-C-A.
Other names: p.Ser183Tyr; c.548C>A, p.Ser183Tyr (NM_025260.4, NM_138277.3); c.457C>A, p.Pro153Thr (NM_138273.3); c.416C>A, p.Ser139Tyr (NM_138274.3); c.410-13C>A (NM_138275.3); short protein forms P153T, S139Y, S183Y.
Identifiers: ClinVar variation 3379644 (VCV003379644.1).

ClinVar aggregate classification (germline): Uncertain significance (1 of 4 stars; one submission).

gnomAD v4.1: 2 of 1,613,152 alleles (0.00012%); highest among the groups gnomAD compares: Non-Finnish European, 0.000085%; no homozygotes.

Submission:

Mayo Clinic Laboratories, Mayo Clinic
Classification: Uncertain significance. Last evaluated: 2024-03-27. Review status: criteria provided, single submitter. Criteria: ACMG Guidelines, 2015. Collection method: clinical testing. Allele origin: germline. Observed: 1 variant allele.
Comment: BP4, PM1_supporting, PM2_moderate